The following is an entry in ClinVar:

ClinVar aggregate classification (germline): Uncertain significance. Review status: criteria provided, multiple submitters, no conflicts (2 of 4 stars). 2 submissions from 2 submitters: Uncertain significance (2). Last evaluated 2026-10-27.

Conditions:
Inherited ovarian cancer (without breast cancer).

gnomAD v4.1: 2 of 1,614,196 alleles (0.00012%); highest among the groups gnomAD compares: South Asian, 0.0022%; no homozygotes.

Submissions (2):

Genomics and Molecular Medicine Service, East Genomic Laboratory Hub, NHS Genomic Medicine Service
Classification: Uncertain significance for Inherited ovarian cancer (without breast cancer). Last evaluated: 2026-10-27. Review status: criteria provided, single submitter. Criteria: ACGS Best Practice Guidelines for Variant Classification in Rare Disease 2020. Collection method: clinical testing. Allele origin: germline. Affected: yes.
Comment: BP4

GeneDx
Classification: Uncertain significance. Last evaluated: 2024-03-10. Review status: criteria provided, single submitter. Criteria: GeneDx Variant Classification Process June 2021. Collection method: clinical testing. Allele origin: germline. Affected: yes.
Comment: Not observed at significant frequency in large population cohorts (gnomAD); In silico analysis supports that this missense variant does not alter protein structure/function; Has not been previously published as pathogenic or benign to our knowledge; This variant is associated with the following publications: (PMID: 17531815, 21120944)

NM_000179.3(MSH6):c.1953T>G (p.Ile651Met)

Gene: MSH6 (mutS homolog 6; plus strand). Cytogenetic location: 2p16.3.
Variant type: single nucleotide variant.
Coding change: c.1953T>G on transcript NM_000179.3 (MANE Select); coding-DNA position 1953, T replaced by G.
Protein change: p.Ile651Met; replaces isoleucine 651 with methionine.
Molecular consequence: missense variant. On other transcripts: intron variant (2), non-coding transcript variant (5).
Genome position (GRCh38, 1-based): chr2:47,799,936, T>G. VCF-style: chr2-47799936-T-G. GRCh37 (hg19) VCF-style: chr2-48027075-T-G.
Other names: c.1606+347T>G (NM_001406817.1); c.628-730T>G (NM_001407362.1); c.1563T>G, p.Ile521Met (NM_001281492.2); c.1047T>G, p.Ile349Met (NM_001281493.2, NM_001281494.2, NM_001406815.1 and 6 more transcripts); c.2049T>G, p.Ile683Met (NM_001406795.1, NM_001406802.1); c.1953T>G, p.Ile651Met (NM_001406796.1, NM_001406798.1, NM_001406800.1 and 3 more transcripts); c.1656T>G, p.Ile552Met (NM_001406797.1, NM_001406801.1, NM_001406818.1 and 10 more transcripts); c.1428T>G, p.Ile476Met (NM_001406799.1, NM_001406806.1, NM_001406807.1); and 3 more; short protein forms I349M, I476M, I521M, I552M, I595M, I625M, I651M, I653M.
Identifiers: ClinVar variation 3370860 (VCV003370860.2).
Genomic context (GRCh38, chr2:47,799,936, plus strand): 5'-CAAAACTTTGAGAACTCTCCTTGAGGAAGAATATTTTAGGGAAAAGCTAAGTGATGGCAT[T>G]GGGGTGATGTTACCCCAGGTGCTTAAAGGTATGACTTCAGAGTCTGATTCCATTGGGTTG-3'
Protein context (NP_000170.1, residues 641-661): EYFREKLSDG[Ile651Met]GVMLPQVLKG